The following is an entry in ClinVar:

ClinVar aggregate classification (germline): Conflicting classifications of pathogenicity. Review status: criteria provided, conflicting classifications (1 of 4 stars). 3 submissions from 3 submitters: Uncertain significance (2); Likely benign (1). Last evaluated 2026-08-24.

Conditions:
Lynch syndrome. Identifiers: Orphanet 144, MedGen C4552100, MONDO:0005835. Disease mechanism: loss of function.
Hereditary cancer-predisposing syndrome. Also called: Neoplastic Syndromes, Hereditary; Hereditary neoplastic syndrome; Hereditary Cancer Syndrome; Tumor predisposition. Identifiers: Orphanet 140162, MedGen C0027672, MeSH D009386, MONDO:0015356.

Allele frequency attached by ClinVar (database versions not stated): gnomAD exomes below 0.00001 and 0.00001; ExAC 0.00002; gnomAD 0.00002 and below 0.00001; 1000 Genomes Project 30x 0.00031; 1000 Genomes Project 0.00040.
gnomAD v4.1: 7 of 1,614,202 alleles (0.00043%); highest among the groups gnomAD compares: South Asian, 0.0077%; no homozygotes.

Submissions (3):

Ambry Genetics
Classification: Likely benign for Hereditary cancer-predisposing syndrome. Last evaluated: 2026-08-24. Review status: criteria provided, single submitter. Criteria: Ambry Variant Classification Scheme 2023. Collection method: clinical testing. Allele origin: germline.

All of Us Research Program, National Institutes of Health
Classification: Uncertain significance for Lynch syndrome. Last evaluated: 2024-06-11. Review status: criteria provided, single submitter. Criteria: ACMG Guidelines, 2015. Collection method: clinical testing. Allele origin: germline. Inheritance: Autosomal dominant inheritance. Observed: 1 variant allele, 1 heterozygote.
Comment: This study involves interpretation of variants in research participants for the purpose of population health screening. Participant phenotype was not available at the time of variant classification. Additional details can be found in publication PMID: 35346344, PMCID: PMC8962531

Color Diagnostics, LLC DBA Color Health
Classification: Uncertain significance for Hereditary cancer-predisposing syndrome. Last evaluated: 2023-12-04. Review status: criteria provided, single submitter. Criteria: ACMG Guidelines, 2015. Collection method: clinical testing. Allele origin: germline.
Comment: This missense variant replaces isoleucine with valine at codon 651 of the MSH6 protein. Computational prediction suggests that this variant may not impact protein structure and function (internally defined REVEL score threshold <= 0.5, PMID: 27666373). To our knowledge, functional studies have not been reported for this variant. This variant has not been reported in individuals affected with MSH6-related disorders in the literature. This variant has been identified in 3/251212 chromosomes in the general population by the Genome Aggregation Database (gnomAD). The available evidence is insufficient to determine the role of this variant in disease conclusively. Therefore, this variant is classified as a Variant of Uncertain Significance.

NM_000179.3(MSH6):c.1951A>G (p.Ile651Val)

Gene: MSH6 (mutS homolog 6; plus strand). Cytogenetic location: 2p16.3.
Variant type: single nucleotide variant.
Coding change: c.1951A>G on transcript NM_000179.3 (MANE Select); coding-DNA position 1951, A replaced by G.
Protein change: p.Ile651Val; replaces isoleucine 651 with valine.
Molecular consequence: missense variant.
Genome position (GRCh38, 1-based): chr2:47,799,934, A>G. VCF-style: chr2-47799934-A-G. GRCh37 (hg19) VCF-style: chr2-48027073-A-G.
Other names: c.1561A>G, p.Ile521Val (NM_001281492.2); c.1045A>G, p.Ile349Val (NM_001281493.2, NM_001281494.2); short protein forms I651V, I521V, I349V.
Identifiers: ClinVar variation 479893 (VCV000479893.13), dbSNP rs536562413, ClinGen allele CA068307.